The following is an entry in ClinVar:

NM_144672.4(OTOA):c.269C>A (p.Ala90Glu)

Gene: OTOA (otoancorin). Cytogenetic location: 16p12.2.
Variant type: single nucleotide variant.
Coding change: c.269C>A on transcript NM_144672.4 (MANE Select); coding-DNA position 269, C replaced by A.
Protein change: p.Ala90Glu; replaces alanine 90 with glutamic acid.
Molecular consequence: missense variant.
Genome position (GRCh38, 1-based): chr16:21,685,231, C>A. VCF-style: chr16-21685231-C-A. GRCh37 (hg19) VCF-style: chr16-21696552-C-A.
Other names: c.32C>A, p.Ala11Glu (NM_001161683.2); short protein forms A11E, A90E.
Identifiers: ClinVar variation 1955249 (VCV001955249.5), dbSNP rs1162683061, ClinGen allele CA395053136.

ClinVar aggregate classification (germline): Uncertain significance (1 of 4 stars; one submission).

Allele frequency attached by ClinVar (database versions not stated): TOPMed 0.00001.

Submission:

Labcorp Genetics (formerly Invitae), Labcorp
Classification: Uncertain significance. Last evaluated: 2024-04-10. Review status: criteria provided, single submitter. Criteria: Invitae Variant Classification Sherloc (09022015). Collection method: clinical testing. Allele origin: germline.
Comment: This sequence change replaces alanine, which is neutral and non-polar, with glutamic acid, which is acidic and polar, at codon 90 of the OTOA protein (p.Ala90Glu). This variant is not present in population databases (gnomAD no frequency). This variant has not been reported in the literature in individuals affected with OTOA-related conditions. ClinVar contains an entry for this variant (Variation ID: 1955249). An algorithm developed to predict the effect of missense changes on protein structure and function (PolyPhen-2) suggests that this variant is likely to be disruptive. In summary, the available evidence is currently insufficient to determine the role of this variant in disease. Therefore, it has been classified as a Variant of Uncertain Significance.